The following is an entry in ClinVar:

NM_139057.4(ADAMTS17):c.1911C>T (p.Cys637=)

Gene: ADAMTS17 (ADAM metallopeptidase with thrombospondin type 1 motif 17; minus strand). Cytogenetic location: 15q26.3.
Variant type: single nucleotide variant.
Coding change: c.1911C>T on transcript NM_139057.4 (MANE Select); coding-DNA position 1911, C replaced by T.
Protein change: p.Cys637=; no amino-acid change (cysteine 637 retained).
Molecular consequence: synonymous variant.
Genome position (GRCh38, 1-based): chr15:100,109,094, G>A on the plus strand (C>T on the coding strand, the complement: ADAMTS17 is on the minus strand). VCF-style: chr15-100109094-G-A. GRCh37 (hg19) VCF-style: chr15-100649299-G-A.
Other names: p.Cys637=.
Identifiers: ClinVar variation 1617589 (VCV001617589.10), dbSNP rs765926691, ClinGen allele CA7757986.
Genomic context (GRCh38, chr15:100,109,094, plus strand): 5'-GGGTGTACCGTCCAGGACCCTGTCGGCCACCAGCAGTGGGGACTCCTTCCCGAGGGGCGA[G>A]CAGTAGAGTTCACATGGCTTATCTGAGGAGGGAAAGGTTGGAGGACGTTGACACGGGAAG-3'
Protein context (NP_620688.2, residues 627-647): VVDDKPCELY[Cys637=]SPLGKESPLL

ClinVar aggregate classification (germline): Likely benign. Review status: criteria provided, multiple submitters, no conflicts (2 of 4 stars). 3 submissions from 3 submitters: Likely benign (3). Last evaluated 2025-05-01.

Allele frequency attached by ClinVar (database versions not stated): gnomAD 0.00002; gnomAD exomes 0.00003 and 0.00005; TOPMed 0.00003; ExAC 0.00007.
gnomAD v4.1: 52 of 1,613,304 alleles (0.0032%); highest among the groups gnomAD compares: Admixed American, 0.012%; no homozygotes.

Submissions (3):

Mayo Clinic Laboratories, Mayo Clinic
Classification: Likely benign. Last evaluated: 2025-05-01. Review status: criteria provided, single submitter. Criteria: ACMG Guidelines, 2015. Collection method: clinical testing. Allele origin: germline. Observed: 1 variant allele.
Comment: BP4, BP7

Labcorp Genetics (formerly Invitae), Labcorp
Classification: Likely benign. Last evaluated: 2024-05-09. Review status: criteria provided, single submitter. Criteria: Invitae Variant Classification Sherloc (09022015). Collection method: clinical testing. Allele origin: germline.

Blueprint Genetics
Classification: Likely benign. Last evaluated: 2022-06-24. Review status: criteria provided, single submitter. Criteria: ACMG Guidelines, 2015. Collection method: clinical testing. Allele origin: germline.